The following is an entry in ClinVar:

NM_006172.4(NPPA):c.337A>G (p.Ser113Gly)

Genes: NPPA (natriuretic peptide A; minus strand), NPPA-AS1 (NPPA antisense RNA 1; plus strand), LOC114827827 (VISTA enhancer hs2123; plus strand). Cytogenetic location: 1p36.22.
Variant type: single nucleotide variant.
Coding change: c.337A>G on transcript NM_006172.4 (MANE Select); coding-DNA position 337, A replaced by G.
Protein change: p.Ser113Gly; replaces serine 113 with glycine.
Molecular consequence: missense variant.
Genome position (GRCh38, 1-based): chr1:11,847,226, T>C on the plus strand (A>G on the coding strand, the complement: NPPA is on the minus strand). VCF-style: chr1-11847226-T-C. GRCh37 (hg19) VCF-style: chr1-11907283-T-C.
Other names: short protein forms S113G.
Identifiers: ClinVar variation 967364 (VCV000967364.1), dbSNP rs756271433, ClinGen allele CA597026.

ClinVar aggregate classification (germline): Uncertain significance (1 of 4 stars; one submission).

Conditions:
Atrial fibrillation, familial, 6 (ATFB6). Identifiers: MedGen C2677294, MONDO:0012816, OMIM 612201.

Allele frequency attached by ClinVar (database versions not stated): TOPMed below 0.00001; ExAC 0.00001; gnomAD 0.00001; gnomAD exomes 0.00001.
gnomAD v4.1: 11 of 1,612,178 alleles (0.00068%); highest among the groups gnomAD compares: Non-Finnish European, 0.00093%; no homozygotes.

Submission:

Labcorp Genetics (formerly Invitae), Labcorp
Classification: Uncertain significance for Atrial fibrillation, familial, 6. Last evaluated: 2019-11-21. Review status: criteria provided, single submitter. Criteria: Invitae Variant Classification Sherloc (09022015). Collection method: clinical testing. Allele origin: germline.
Comment: This sequence change replaces serine with glycine at codon 113 of the NPPA protein (p.Ser113Gly). The serine residue is highly conserved and there is a small physicochemical difference between serine and glycine. This variant is present in population databases (rs756271433, ExAC 0.002%). This variant has not been reported in the literature in individuals with NPPA-related conditions. Algorithms developed to predict the effect of missense changes on protein structure and function are either unavailable or do not agree on the potential impact of this missense change (SIFT: "Deleterious"; PolyPhen-2: "Benign"; Align-GVGD: "Class C0"). Algorithms developed to predict the effect of sequence changes on RNA splicing suggest that this variant may create or strengthen a splice site, but this prediction has not been confirmed by published transcriptional studies. In summary, the available evidence is currently insufficient to determine the role of this variant in disease. Therefore, it has been classified as a Variant of Uncertain Significance.